The following is an entry in ClinVar:

NM_000090.4(COL3A1):c.1787G>A (p.Arg596Gln)

Gene: COL3A1 (collagen type III alpha 1 chain; plus strand). Cytogenetic location: 2q32.2.
Variant type: single nucleotide variant.
Coding change: c.1787G>A on transcript NM_000090.4 (MANE Select); coding-DNA position 1787, G replaced by A.
Protein change: p.Arg596Gln; replaces arginine 596 with glutamine.
Molecular consequence: missense variant.
Genome position (GRCh38, 1-based): chr2:188,997,190, G>A. VCF-style: chr2-188997190-G-A. GRCh37 (hg19) VCF-style: chr2-189861916-G-A.
Other names: p.Arg596Gln; short protein forms R596Q.
Identifiers: ClinVar variation 628468 (VCV000628468.65), dbSNP rs774632188, ClinGen allele CA074641.

ClinVar aggregate classification (germline): Uncertain significance. Review status: criteria provided, multiple submitters, no conflicts (2 of 4 stars). 7 submissions from 7 submitters: Uncertain significance (7). Last evaluated 2025-09-22.

Conditions:
Familial thoracic aortic aneurysm and aortic dissection (TAAD). Also called: Thoracic aortic aneurysms and dissections. Identifiers: Orphanet 91387, MedGen C4707243, MONDO:0019625.
Ehlers-Danlos syndrome, type 4 (EDSVASC). Also called: Ehlers-Danlos syndrome vascular type; Ehlers Danlos syndrome, ecchymotic type; Ehlers Danlos syndrome, arterial type; Ehlers Danlos syndrome, Sack-Barabas type; Ehlers-Danlos Syndrome Type IV. Identifiers: Orphanet 286, MedGen C0268338, MONDO:0017314, OMIM 130050.

Allele frequency attached by ClinVar (database versions not stated): ExAC 0.00001; gnomAD exomes 0.00002; TOPMed 0.00002; gnomAD 0.00003.

Submissions (7):

Labcorp Genetics (formerly Invitae), Labcorp
Classification: Uncertain significance for Ehlers-Danlos syndrome, type 4. Last evaluated: 2025-09-22. Review status: criteria provided, single submitter. Criteria: Invitae Variant Classification Sherloc (09022015). Collection method: clinical testing. Allele origin: germline.
Comment: This sequence change replaces arginine, which is basic and polar, with glutamine, which is neutral and polar, at codon 596 of the COL3A1 protein (p.Arg596Gln). This variant is present in population databases (rs774632188, gnomAD 0.004%). This variant has not been reported in the literature in individuals affected with COL3A1-related conditions. ClinVar contains an entry for this variant (Variation ID: 628468). Invitae Evidence Modeling of protein sequence and biophysical properties (such as structural, functional, and spatial information, amino acid conservation, physicochemical variation, residue mobility, and thermodynamic stability) indicates that this missense variant is not expected to disrupt COL3A1 protein function with a negative predictive value of 95%. In summary, the available evidence is currently insufficient to determine the role of this variant in disease. Therefore, it has been classified as a Variant of Uncertain Significance.

Color Diagnostics, LLC DBA Color Health
Classification: Uncertain significance for Familial thoracic aortic aneurysm and aortic dissection. Last evaluated: 2025-06-25. Review status: criteria provided, single submitter. Criteria: ACMG Guidelines, 2015. Collection method: clinical testing. Allele origin: germline.
Comment: This missense variant replaces arginine with glutamine at codon 596 of the COL3A1 protein. Computational prediction suggests that this variant may not impact protein structure and function. To our knowledge, functional studies have not been reported for this variant. This variant has not been reported in individuals affected with COL3A1-related disorders in the literature. This variant has been identified in 5/282752 chromosomes in the general population by the Genome Aggregation Database (gnomAD). The available evidence is insufficient to determine the role of this variant in disease conclusively. Therefore, this variant is classified as a Variant of Uncertain Significance.

Ambry Genetics
Classification: Uncertain significance for Familial thoracic aortic aneurysm and aortic dissection. Last evaluated: 2024-05-23. Review status: criteria provided, single submitter. Criteria: Ambry Variant Classification Scheme 2023. Collection method: clinical testing. Allele origin: germline.
Comment: The p.R596Q variant (also known as c.1787G>A), located in coding exon 25 of the COL3A1 gene, results from a G to A substitution at nucleotide position 1787. The arginine at codon 596 is replaced by glutamine, an amino acid with highly similar properties. This amino acid position is well conserved in available vertebrate species. In addition, the in silico prediction for this alteration is inconclusive. Since supporting evidence is limited at this time, the clinical significance of this alteration remains unclear.

All of Us Research Program, National Institutes of Health
Classification: Uncertain significance for Ehlers-Danlos syndrome, type 4. Last evaluated: 2023-08-23. Review status: criteria provided, single submitter. Criteria: ACMG Guidelines, 2015. Collection method: clinical testing. Allele origin: germline. Inheritance: Autosomal dominant inheritance. Observed: 2 variant alleles, 2 heterozygotes.
Comment: This missense variant replaces arginine with glutamine at codon 596 of the COL3A1 protein. Computational prediction suggests that this variant may not impact protein structure and function (internally defined REVEL score threshold <= 0.5, PMID: 27666373). To our knowledge, functional studies have not been performed for this variant. This variant has not been reported in individuals affected with cardiovascular disorders in the literature. This variant has been identified in 5/282752 chromosomes in the general population by the Genome Aggregation Database (gnomAD). The available evidence is insufficient to determine the role of this variant in disease conclusively. Therefore, this variant is classified as a Variant of Uncertain Significance.

This study involves interpretation of variants in research participants for the purpose of population health screening. Participant phenotype was not available at the time of variant classification. Additional details can be found in publication PMID: 35346344, PMCID: PMC8962531

GeneDx
Classification: Uncertain significance. Last evaluated: 2023-08-16. Review status: criteria provided, single submitter. Criteria: GeneDx Variant Classification Process June 2021. Collection method: clinical testing. Allele origin: germline. Affected: yes.
Comment: Has not been previously published as pathogenic or benign to our knowledge; Not observed at a significant frequency in large population cohorts (gnomAD); In silico analysis, which includes protein predictors and evolutionary conservation, supports that this variant does not alter protein structure/function; Occurs in the triple helical domain at the Y position in the canonical Gly-X-Y repeat; although this variant may have an effect on normal protein folding and function, missense substitution at the Y position is not a common mechanism of disease (HGMD)

Mayo Clinic Laboratories, Mayo Clinic
Classification: Uncertain significance. Last evaluated: 2022-09-15. Review status: criteria provided, single submitter. Criteria: ACMG Guidelines, 2015. Collection method: clinical testing. Allele origin: germline. Observed: 2 variant alleles.
Comment: PP2

CeGaT Center for Human Genetics Tuebingen
Classification: Uncertain significance. Last evaluated: 2022-06-01. Review status: criteria provided, single submitter. Criteria: CeGaT Center For Human Genetics Tuebingen Variant Classification Criteria Version 2. Collection method: clinical testing. Allele origin: germline. Affected: yes. Observed: 1 variant allele.